The following is an entry in ClinVar:

NM_003235.5(TG):c.3906G>A (p.Pro1302=)

Gene: TG (thyroglobulin; plus strand). Cytogenetic location: 8q24.22.
Variant type: single nucleotide variant.
Coding change: c.3906G>A on transcript NM_003235.5 (MANE Select); coding-DNA position 3906, G replaced by A.
Protein change: p.Pro1302=; no amino-acid change (proline 1302 retained).
Molecular consequence: synonymous variant.
Genome position (GRCh38, 1-based): chr8:132,908,244, G>A. VCF-style: chr8-132908244-G-A. GRCh37 (hg19) VCF-style: chr8-133920489-G-A.
Identifiers: ClinVar variation 737838 (VCV000737838.12), dbSNP rs2294003, ClinGen allele CA4883941.

ClinVar aggregate classification (germline): Benign. Review status: criteria provided, multiple submitters, no conflicts (2 of 4 stars). 3 submissions from 3 submitters: Benign (3). Last evaluated 2026-02-02.

Conditions:
Iodotyrosyl coupling defect (TDH3). Also called: HYPOTHYROIDISM, CONGENITAL, DUE TO DYSHORMONOGENESIS, 3; THYROID HORMONOGENESIS, GENETIC DEFECT IN, 3. Identifiers: Orphanet 95716, MedGen C0342194, MONDO:0010135, OMIM 274700.

Allele frequency attached by ClinVar (database versions not stated): TOPMed 0.00035; ESP Exome Variant Server 0.00054; gnomAD exomes 0.00261 and 0.00514; 1000 Genomes Project 30x 0.00328; 1000 Genomes Project 0.00419; gnomAD 0.00435 and 0.00439; ExAC 0.00453.
gnomAD v4.1: 4,441 of 1,613,958 alleles (0.28%); highest among the groups gnomAD compares: East Asian, 1.8%; 78 homozygotes.

Submissions (5):

Labcorp Genetics (formerly Invitae), Labcorp
Classification: Benign. Last evaluated: 2026-02-02. Review status: criteria provided, single submitter. Criteria: Invitae Variant Classification Sherloc (09022015). Collection method: clinical testing. Allele origin: germline.

Illumina Laboratory Services, Illumina
Classification: Benign for Iodotyrosyl coupling defect. Last evaluated: 2017-04-27. Review status: criteria provided, single submitter. Criteria: ICSL Variant Classification Criteria 13 December 2019. Collection method: clinical testing. Allele origin: germline.
Comment: This variant was observed as part of a predisposition screen in an ostensibly healthy population. A literature search was performed for the gene, cDNA change, and amino acid change (where applicable). No publications were found based on this search. Allele frequency data from public databases was too high to be consistent with this variant causing disease. Therefore, this variant is classified as benign.

Breakthrough Genomics
Classification: Benign. Review status: criteria provided, single submitter. Criteria: ACMG Guidelines, 2015. Collection method: not provided. Allele origin: germline. Inheritance: Autosomal recessive inheritance. Affected: yes.

Dr. Peter K. Rogan Lab, Western University
No classification provided (evidence only). Condition: Clear cell carcinoma of kidney. Review status: no classification provided. Collection method: in vitro. Allele origin: not applicable. Functional consequence: retained intron. Not counted in ClinVar's aggregate classification.

Dr. Peter K. Rogan Lab, Western University
No classification provided (evidence only). Condition: Colon adenocarcinoma. Review status: no classification provided. Collection method: in vitro. Allele origin: not applicable. Functional consequence: retained intron. Not counted in ClinVar's aggregate classification.